The following is an entry in ClinVar:

NM_006118.4(HAX1):c.829C>T (p.Arg277Trp)

Gene: HAX1 (HCLS1 associated protein X-1; plus strand). Cytogenetic location: 1q21.3.
Variant type: single nucleotide variant.
Coding change: c.829C>T on transcript NM_006118.4 (MANE Select); coding-DNA position 829, C replaced by T.
Protein change: p.Arg277Trp; replaces arginine 277 with tryptophan.
Molecular consequence: missense variant.
Genome position (GRCh38, 1-based): chr1:154,275,690, C>T. VCF-style: chr1-154275690-C-T. GRCh37 (hg19) VCF-style: chr1-154248166-C-T.
Other names: c.685C>T, p.Arg229Trp (NM_001018837.2); short protein forms R277W, R229W.
Identifiers: ClinVar variation 543083 (VCV000543083.15), dbSNP rs138296453, ClinGen allele CA1127482.

ClinVar aggregate classification (germline): Uncertain significance. Review status: criteria provided, multiple submitters, no conflicts (2 of 4 stars). 7 submissions from 7 submitters: Uncertain significance (6). 1 of the submissions does not count toward it. Last evaluated 2026-08-04.

Conditions:
Inborn genetic diseases. Identifiers: MedGen C0950123, MeSH D030342.
HAX1-related disorder. Also called: HAX1-related condition.
Kostmann syndrome (SCN3). Also called: Autosomal recessive severe congenital neutropenia type 3; KOSTMANN DISEASE. Identifiers: Orphanet 99749, MedGen C5235141, MONDO:0012548, OMIM 610738.

Allele frequency attached by ClinVar (database versions not stated): gnomAD exomes 0.00019 and 0.00008; 1000 Genomes Project 0.00020; ESP Exome Variant Server 0.00046; ExAC 0.00011; 1000 Genomes Project 30x 0.00016; gnomAD 0.00018 and 0.00019; TOPMed 0.00018.

Submissions (7):

PreventionGenetics, part of Exact Sciences
Classification: Uncertain significance for HAX1-related condition. Last evaluated: 2026-08-04. Review status: criteria provided, single submitter. Criteria: ACMG Guidelines, 2015. Collection method: clinical testing. Allele origin: germline.
Comment: The HAX1 c.829C>T variant is predicted to result in the amino acid substitution p.Arg277Trp. This variant has been reported in an individual with aplastic anemia, thrombocytopenia, and hypocellular marrow (Supplementary Table 2, Lin et al. 2024. PubMed ID: 38103590). This variant is reported in 0.013% of alleles in individuals of South Asian descent in gnomAD and has an interpretation of uncertain significance in ClinVar (Variation ID: 543083). At this time, the clinical significance of this variant is uncertain due to the absence of conclusive functional and genetic evidence.

Ambry Genetics
Classification: Uncertain significance for Inborn genetic diseases. Last evaluated: 2024-11-22. Review status: criteria provided, single submitter. Criteria: Ambry Variant Classification Scheme 2023. Collection method: clinical testing. Allele origin: germline.
Comment: The p.R277W variant (also known as c.829C>T), located in coding exon 7 of the HAX1 gene, results from a C to T substitution at nucleotide position 829. The arginine at codon 277 is replaced by tryptophan, an amino acid with dissimilar properties. This amino acid position is conserved. In addition, the in silico prediction for this alteration is inconclusive. Based on the available evidence, the clinical significance of this variant remains unclear.

GeneDx
Classification: Uncertain significance. Last evaluated: 2023-10-12. Review status: criteria provided, single submitter. Criteria: GeneDx Variant Classification Process June 2021. Collection method: clinical testing. Allele origin: germline. Affected: yes.
Comment: In silico analysis supports that this missense variant has a deleterious effect on protein structure/function; Has not been previously published as pathogenic or benign to our knowledge

Blueprint Genetics
Classification: Uncertain significance. Last evaluated: 2022-09-05. Review status: criteria provided, single submitter. Criteria: ACMG Guidelines, 2015. Collection method: clinical testing. Allele origin: germline.

Labcorp Genetics (formerly Invitae), Labcorp
Classification: Uncertain significance for Kostmann syndrome. Last evaluated: 2022-07-25. Review status: criteria provided, single submitter. Criteria: Invitae Variant Classification Sherloc (09022015). Collection method: clinical testing. Allele origin: germline.
Comment: This sequence change replaces arginine, which is basic and polar, with tryptophan, which is neutral and slightly polar, at codon 277 of the HAX1 protein (p.Arg277Trp). This variant is present in population databases (rs138296453, gnomAD 0.02%). This variant has not been reported in the literature in individuals affected with HAX1-related conditions. ClinVar contains an entry for this variant (Variation ID: 543083). Algorithms developed to predict the effect of missense changes on protein structure and function are either unavailable or do not agree on the potential impact of this missense change (SIFT: "Deleterious"; PolyPhen-2: "Benign"; Align-GVGD: "Class C0"). In summary, the available evidence is currently insufficient to determine the role of this variant in disease. Therefore, it has been classified as a Variant of Uncertain Significance.

Fulgent Genetics
Classification: Uncertain significance for Kostmann syndrome. Last evaluated: 2018-10-31. Review status: criteria provided, single submitter. Criteria: ACMG Guidelines, 2015. Collection method: clinical testing. Allele origin: unknown.

Natera, Inc.
Classification: Uncertain significance for Autosomal recessive severe congenital neutropenia type 3. Last evaluated: 2020-01-08. Review status: no assertion criteria provided. Collection method: clinical testing. Allele origin: germline. Not counted in ClinVar's aggregate classification.